The following is an entry in ClinVar:

NM_005633.4(SOS1):c.191C>T (p.Pro64Leu)

Gene: SOS1 (SOS Ras/Rac guanine nucleotide exchange factor 1; minus strand). Cytogenetic location: 2p22.1.
Variant type: single nucleotide variant.
Coding change: c.191C>T on transcript NM_005633.4 (MANE Select); coding-DNA position 191, C replaced by T.
Protein change: p.Pro64Leu; replaces proline 64 with leucine.
Molecular consequence: missense variant.
Genome position (GRCh38, 1-based): chr2:39,067,650, G>A on the plus strand (C>T on the coding strand, the complement: SOS1 is on the minus strand). VCF-style: chr2-39067650-G-A. GRCh37 (hg19) VCF-style: chr2-39294791-G-A.
Other names: c.170C>T, p.Pro57Leu (NM_001382394.1); c.191C>T, p.Pro64Leu (NM_001382395.1); short protein forms P64L, P57L.
Identifiers: ClinVar variation 1782638 (VCV001782638.7), dbSNP rs1671636391, ClinGen allele CA346374134.

ClinVar aggregate classification (germline): Uncertain significance. Review status: criteria provided, multiple submitters, no conflicts (2 of 4 stars). 2 submissions from 2 submitters: Uncertain significance (2). Last evaluated 2022-05-11.

Conditions:
RASopathy. Also called: rasopathies; Noonan spectrum disorder. Identifiers: Orphanet 536391, MedGen C5555857, MONDO:0021060.
Cardiovascular phenotype. Identifiers: MedGen CN230736.

Allele frequency attached by ClinVar (database versions not stated): gnomAD exomes below 0.00001.
gnomAD v4.1: 2 of 1,613,110 alleles (0.00012%); highest among the groups gnomAD compares: Non-Finnish European, 0.00017%; no homozygotes.

Submissions (2):

Labcorp Genetics (formerly Invitae), Labcorp
Classification: Uncertain significance for RASopathy. Last evaluated: 2022-05-11. Review status: criteria provided, single submitter. Criteria: Invitae Variant Classification Sherloc (09022015). Collection method: clinical testing. Allele origin: germline.
Comment: This sequence change replaces proline, which is neutral and non-polar, with leucine, which is neutral and non-polar, at codon 64 of the SOS1 protein (p.Pro64Leu). This variant is not present in population databases (gnomAD no frequency). This variant has not been reported in the literature in individuals affected with SOS1-related conditions. Advanced modeling of protein sequence and biophysical properties (such as structural, functional, and spatial information, amino acid conservation, physicochemical variation, residue mobility, and thermodynamic stability) performed at Invitae indicates that this missense variant is expected to disrupt SOS1 protein function. In summary, the available evidence is currently insufficient to determine the role of this variant in disease. Therefore, it has been classified as a Variant of Uncertain Significance.

Ambry Genetics
Classification: Uncertain significance for Cardiovascular phenotype. Last evaluated: 2020-01-21. Review status: criteria provided, single submitter. Criteria: Ambry Variant Classification Scheme 2023. Collection method: clinical testing. Allele origin: germline.
Comment: The p.P64L variant (also known as c.191C>T), located in coding exon 2 of the SOS1 gene, results from a C to T substitution at nucleotide position 191. The proline at codon 64 is replaced by leucine, an amino acid with similar properties. This amino acid position is highly conserved in available vertebrate species. In addition, this alteration is predicted to be deleterious by in silico analysis. Since supporting evidence is limited at this time, the clinical significance of this alteration remains unclear.